The following is an entry in ClinVar:

NM_139057.4(ADAMTS17):c.577G>A (p.Glu193Lys)

Gene: ADAMTS17 (ADAM metallopeptidase with thrombospondin type 1 motif 17; minus strand). Cytogenetic location: 15q26.3.
Variant type: single nucleotide variant.
Coding change: c.577G>A on transcript NM_139057.4 (MANE Select); coding-DNA position 577, G replaced by A.
Protein change: p.Glu193Lys; replaces glutamic acid 193 with lysine.
Molecular consequence: missense variant.
Genome position (GRCh38, 1-based): chr15:100,330,928, C>T on the plus strand (G>A on the coding strand, the complement: ADAMTS17 is on the minus strand). VCF-style: chr15-100330928-C-T. GRCh37 (hg19) VCF-style: chr15-100871133-C-T.
Other names: c.577G>A (NM_139057.2); short protein forms E193K.
Identifiers: ClinVar variation 2095492 (VCV002095492.7), dbSNP rs1596539450, ClinGen allele CA394521189.

ClinVar aggregate classification (germline): Uncertain significance. Review status: criteria provided, multiple submitters, no conflicts (2 of 4 stars). 2 submissions from 2 submitters: Uncertain significance (2). Last evaluated 2022-07-25.

Submissions (2):

GeneDx
Classification: Uncertain significance. Last evaluated: 2022-07-25. Review status: criteria provided, single submitter. Criteria: GeneDx Variant Classification Process June 2021. Collection method: clinical testing. Allele origin: germline. Affected: yes.
Comment: Not observed at significant frequency in large population cohorts (gnomAD); In silico analysis supports that this missense variant does not alter protein structure/function; Has not been previously published as pathogenic or benign to our knowledge

Labcorp Genetics (formerly Invitae), Labcorp
Classification: Uncertain significance. Last evaluated: 2022-04-29. Review status: criteria provided, single submitter. Criteria: Invitae Variant Classification Sherloc (09022015). Collection method: clinical testing. Allele origin: germline.
Comment: This variant has not been reported in the literature in individuals affected with ADAMTS17-related conditions. This variant is not present in population databases (gnomAD no frequency). This sequence change replaces glutamic acid, which is acidic and polar, with lysine, which is basic and polar, at codon 193 of the ADAMTS17 protein (p.Glu193Lys). Algorithms developed to predict the effect of missense changes on protein structure and function output the following: SIFT: "Not Available"; PolyPhen-2: "Benign"; Align-GVGD: "Not Available". The lysine amino acid residue is found in multiple mammalian species, which suggests that this missense change does not adversely affect protein function. In summary, the available evidence is currently insufficient to determine the role of this variant in disease. Therefore, it has been classified as a Variant of Uncertain Significance.